The following is an entry in ClinVar:

ClinVar aggregate classification (germline): Pathogenic. Review status: criteria provided, multiple submitters, no conflicts (2 of 4 stars). 3 submissions from 3 submitters: Pathogenic (2). 1 of the submissions does not count toward it. Last evaluated 2025-12-12.

Conditions:
Stromme syndrome (STROMS). Also called: Ciliary dyskinesia, primary, 31; Strømme Syndrome; APPLE PEEL SYNDROME WITH MICROCEPHALY AND OCULAR ANOMALIES. Identifiers: Orphanet 444069, Orphanet 506307, MedGen C1855705, MONDO:0009477, OMIM 243605.

Allele frequency attached by ClinVar (database versions not stated): TOPMed 0.00002.
gnomAD v4.1: 209 of 1,597,684 alleles (0.013%); highest among the groups gnomAD compares: Non-Finnish European, 0.017%; no homozygotes.

Submissions (3):

GeneDx
Classification: Pathogenic. Last evaluated: 2025-12-12. Review status: criteria provided, single submitter. Criteria: GeneDx Variant Classification Process June 2021. Collection method: clinical testing. Allele origin: germline. Affected: yes.
Comment: Nonsense variant predicted to result in protein truncation or nonsense mediated decay in a gene for which loss of function is a known mechanism of disease; Not observed at significant frequency in large population cohorts (gnomAD); This variant is associated with the following publications: (PMID: 26820108, 35001526, 39994471, 35488810, 25564561)

Fulgent Genetics
Classification: Pathogenic for Stromme syndrome. Last evaluated: 2022-05-20. Review status: criteria provided, single submitter. Criteria: ACMG Guidelines, 2015. Collection method: clinical testing. Allele origin: unknown.

OMIM
Classification: Pathogenic for STROMME SYNDROME. Last evaluated: 2015-03-01. Review status: no assertion criteria provided. Collection method: literature only. Allele origin: germline. Not counted in ClinVar's aggregate classification.

Literature cited by the submitters: PubMed 25564561 (cited by OMIM); Filges, I., Bruder, E., Brandal, K., Meier, S., Undlien, D. E., Waage, T. R., Hoesli, I., Schubach, M., de Beer, T., Sheng, Y., Hoeller, S., Schulzke, S., Rosby, O., Miny, P., Tercanli, S., Oppedal, T., Meyer, P., Selmer, K. K., Stromme, P. Stromme syndrome is a ciliary disorder caused by mutations in CENPF. Hum. Mutat. 37: 359-363, 2016. Note: Erratum: Hum. Mutat. 37: 711 only, 2016. (cited by OMIM).

NM_016343.4(CENPF):c.1744G>T (p.Glu582Ter)

Gene: CENPF (centromere protein F; plus strand). Cytogenetic location: 1q41.
Variant type: single nucleotide variant.
Coding change: c.1744G>T on transcript NM_016343.4 (MANE Select); coding-DNA position 1744, G replaced by T.
Protein change: p.Glu582Ter; replaces glutamic acid 582 with a stop codon.
Molecular consequence: nonsense.
Genome position (GRCh38, 1-based): chr1:214,640,082, G>T. VCF-style: chr1-214640082-G-T. GRCh37 (hg19) VCF-style: chr1-214813425-G-T.
Other names: short protein forms E582*.
Identifiers: ClinVar variation 190385 (VCV000190385.6), dbSNP rs367624766, ClinGen allele CA199683.